The following is an entry in ClinVar:

ClinVar aggregate classification (germline): Pathogenic (1 of 4 stars; one submission).

Conditions:
Spondyloepimetaphyseal dysplasia, PAPSS2 type. Also called: SEMD, PAKISTANI TYPE; BRACHYOLMIA TYPE 4 WITH MILD EPIPHYSEAL AND METAPHYSEAL CHANGES; SPONDYLODYSPLASIA AND PREMATURE PUBARCHE. Identifiers: Orphanet 93282, MedGen C2748516, MONDO:0019666, OMIM 612847.

Submission:

Human Genetics Bochum, Ruhr University Bochum
Classification: Pathogenic for Spondyloepimetaphyseal dysplasia, PAPSS2 type. Last evaluated: 2025-06-11. Review status: criteria provided, single submitter. Criteria: ACMG Guidelines, 2015. Collection method: clinical testing. Allele origin: germline. Affected: yes.
Comment: in homozygous state; ACMG criteria used to clasify this variant: PVS1, PM2_SUP, PM3_SUP

NM_001015880.2(PAPSS2):c.1056del (p.Thr353fs)

Gene: PAPSS2 (3'-phosphoadenosine 5'-phosphosulfate synthase 2; plus strand). Cytogenetic location: 10q23.31.
Variant type: Deletion.
Coding change: c.1056del on transcript NM_001015880.2 (MANE Select); coding-DNA position 1056, one base deleted (G; older notation c.1056delG).
Protein change: p.Thr353fs; shifts the reading frame from threonine 353.
Molecular consequence: frameshift variant.
Genome position (GRCh38, 1-based): chr10:87,727,459, G deleted; the last of 5 consecutive G bases (chr10:87,727,455-87,727,459); deleting any one gives the same sequence. VCF-style (leftmost placement, unchanged base first): chr10-87727454-TG-T. GRCh37 (hg19) VCF-style: chr10-89487211-TG-T.
Other names: c.1041del, p.Thr348fs (NM_004670.4); short protein forms T348fs, T353fs.
Identifiers: ClinVar variation 4687926 (VCV004687926.1).
Genomic context (GRCh38, chr10:87,727,454, plus strand): 5'-GCTATCTTACGAGACGCTGAATTCTATGAACACAGAAAAGAGGAACGCTGTTCCCGTGTT[TG>T]GGGGACAACATGTACAAAACACCCCCATATCAAAGTAAGTCACAAAACCTTTGGAAGGAC-3'